The following is an entry in ClinVar:

NM_006206.6(PDGFRA):c.1565G>A (p.Arg522His)

Gene: PDGFRA (platelet derived growth factor receptor alpha; plus strand). Cytogenetic location: 4q12.
Variant type: single nucleotide variant.
Coding change: c.1565G>A on transcript NM_006206.6 (MANE Select); coding-DNA position 1565, G replaced by A.
Protein change: p.Arg522His; replaces arginine 522 with histidine.
Molecular consequence: missense variant.
Genome position (GRCh38, 1-based): chr4:54,274,537, G>A. VCF-style: chr4-54274537-G-A. GRCh37 (hg19) VCF-style: chr4-55140704-G-A.
Other names: c.1565G>A, p.Arg522His (NM_001347827.2, NM_001347829.2); c.1640G>A, p.Arg547His (NM_001347828.2); c.1604G>A, p.Arg535His (NM_001347830.2); short protein forms R522H, R547H, R535H.
Identifiers: ClinVar variation 528506 (VCV000528506.13), dbSNP rs765271720, ClinGen allele CA2922617.

ClinVar aggregate classification (germline): Conflicting classifications of pathogenicity. Review status: criteria provided, conflicting classifications (1 of 4 stars). 4 submissions from 4 submitters: Uncertain significance (3); Benign (1). Last evaluated 2026-01-06.

Conditions:
Polyps, multiple and recurrent inflammatory fibroid, gastrointestinal. Identifiers: MedGen C5193005, MONDO:0008285, OMIM 175510.
Gastrointestinal stromal tumor. Also called: Gastrointestinal stroma tumor; Gastrointestinal stromal tumor, somatic. Identifiers: Orphanet 44890, MedGen C0238198, MeSH D046152, MONDO:0011719, OMIM 606764, HP:0100723.
Hereditary cancer-predisposing syndrome. Also called: Tumor predisposition; Hereditary neoplastic syndrome; Hereditary Cancer Syndrome; Neoplastic Syndromes, Hereditary. Identifiers: Orphanet 140162, MedGen C0027672, MeSH D009386, MONDO:0015356.

Allele frequency attached by ClinVar (database versions not stated): TOPMed below 0.00001; gnomAD 0.00001; gnomAD exomes 0.00001 and 0.00002; ExAC 0.00002.
gnomAD v4.1: 17 of 1,612,544 alleles (0.0011%); highest among the groups gnomAD compares: South Asian, 0.0077%; no homozygotes.

Submissions (4):

Labcorp Genetics (formerly Invitae), Labcorp
Classification: Uncertain significance for Gastrointestinal stromal tumor. Last evaluated: 2026-01-06. Review status: criteria provided, single submitter. Criteria: Invitae Variant Classification Sherloc (09022015). Collection method: clinical testing. Allele origin: germline.
Comment: This sequence change replaces arginine, which is basic and polar, with histidine, which is basic and polar, at codon 522 of the PDGFRA protein (p.Arg522His). This variant is present in population databases (rs765271720, gnomAD 0.01%). This variant has not been reported in the literature in individuals affected with PDGFRA-related conditions. ClinVar contains an entry for this variant (Variation ID: 528506). Invitae Evidence Modeling of protein sequence and biophysical properties (such as structural, functional, and spatial information, amino acid conservation, physicochemical variation, residue mobility, and thermodynamic stability) indicates that this missense variant is not expected to disrupt PDGFRA protein function with a negative predictive value of 80%. In summary, the available evidence is currently insufficient to determine the role of this variant in disease. Therefore, it has been classified as a Variant of Uncertain Significance.

Ambry Genetics
Classification: Benign for Hereditary cancer-predisposing syndrome. Last evaluated: 2024-10-28. Review status: criteria provided, single submitter. Criteria: Ambry Variant Classification Scheme 2023. Collection method: clinical testing. Allele origin: germline.

Baylor Genetics
Classification: Uncertain significance for Polyps, multiple and recurrent inflammatory fibroid, gastrointestinal. Last evaluated: 2024-03-27. Review status: criteria provided, single submitter. Criteria: ACMG Guidelines, 2015. Collection method: clinical testing. Allele origin: unknown.

GeneDx
Classification: Uncertain significance. Last evaluated: 2024-03-08. Review status: criteria provided, single submitter. Criteria: GeneDx Variant Classification Process June 2021. Collection method: clinical testing. Allele origin: germline. Affected: yes.
Comment: In silico analysis supports that this missense variant does not alter protein structure/function; Has not been previously published as pathogenic or benign to our knowledge